The following is an entry in ClinVar:

ClinVar aggregate classification (germline): Conflicting classifications of pathogenicity. Review status: criteria provided, conflicting classifications (1 of 4 stars). 5 submissions from 5 submitters: Uncertain significance (1); Benign (2); Likely benign (1). 1 of the submissions does not count toward it. Last evaluated 2025-08-05.

Conditions:
KIF26B-related disorder. Also called: KIF26B-related condition.

Allele frequency attached by ClinVar (database versions not stated): gnomAD exomes 0.00194; TOPMed 0.00215; ExAC 0.00353; 1000 Genomes Project 30x 0.00125; 1000 Genomes Project 0.00140; ESP Exome Variant Server 0.00140; gnomAD 0.00167 and 0.00170.
gnomAD v4.1: 3,276 of 1,580,632 alleles (0.21%); highest among the groups gnomAD compares: Admixed American, 0.47%; 5 homozygotes.

Submissions (5):

Ambry Genetics
Classification: Uncertain significance. Last evaluated: 2025-08-05. Review status: criteria provided, single submitter. Criteria: Ambry Variant Classification Scheme 2023. Collection method: clinical testing. Allele origin: germline.

CeGaT Center for Human Genetics Tuebingen
Classification: Likely benign. Last evaluated: 2022-08-01. Review status: criteria provided, single submitter. Criteria: CeGaT Center For Human Genetics Tuebingen Variant Classification Criteria Version 2. Collection method: clinical testing. Allele origin: germline. Affected: yes. Observed: 1 variant allele.
Comment: KIF26B: BP4, BS2

Labcorp Genetics (formerly Invitae), Labcorp
Classification: Benign. Last evaluated: 2018-05-12. Review status: criteria provided, single submitter. Criteria: Invitae Variant Classification Sherloc (09022015). Collection method: clinical testing. Allele origin: germline.

Breakthrough Genomics
Classification: Benign. Review status: criteria provided, single submitter. Criteria: ACMG Guidelines, 2015. Collection method: not provided. Allele origin: germline. Inheritance: Unknown mechanism. Affected: yes.

PreventionGenetics, part of Exact Sciences
Classification: Likely benign for KIF26B-related condition. Last evaluated: 2019-03-04. Review status: no assertion criteria provided. Collection method: clinical testing. Allele origin: germline. Not counted in ClinVar's aggregate classification.
Comment: This variant is classified as likely benign based on ACMG/AMP sequence variant interpretation guidelines (Richards et al. 2015 PMID: 25741868, with internal and published modifications).

NM_018012.4(KIF26B):c.4703C>T (p.Ser1568Leu)

Gene: KIF26B (kinesin family member 26B; plus strand). Cytogenetic location: 1q44.
Variant type: single nucleotide variant.
Coding change: c.4703C>T on transcript NM_018012.4 (MANE Select); coding-DNA position 4703, C replaced by T.
Protein change: p.Ser1568Leu; replaces serine 1568 with leucine.
Molecular consequence: missense variant.
Genome position (GRCh38, 1-based): chr1:245,687,686, C>T. VCF-style: chr1-245687686-C-T. GRCh37 (hg19) VCF-style: chr1-245850988-C-T.
Other names: short protein forms S1568L.
Identifiers: ClinVar variation 770866 (VCV000770866.30), dbSNP rs200000695, ClinGen allele CA1488511.